The following is an entry in ClinVar:

NM_000548.5(TSC2):c.5068+5G>C

Gene: TSC2 (TSC complex subunit 2; plus strand). Cytogenetic location: 16p13.3.
Variant type: single nucleotide variant.
Coding change: c.5068+5G>C on transcript NM_000548.5 (MANE Select); 5 bases into the intron after coding-DNA position 5068, G replaced by C.
Molecular consequence: intron variant.
Genome position (GRCh38, 1-based): chr16:2,087,946, G>C. VCF-style: chr16-2087946-G-C. GRCh37 (hg19) VCF-style: chr16-2137947-G-C.
Other names: c.5065+5G>C (NM_001406663.1); c.4996+5G>C (NM_001406664.1); c.4939+5G>C (NM_021055.3, NM_001370405.1); c.4999+5G>C (NM_001114382.3); c.4870+5G>C (NM_001363528.2); c.4990+5G>C (NM_001406665.1); c.4936+5G>C (NM_001370404.1); c.4867+5G>C (NM_001077183.3); and 26 more.
Identifiers: ClinVar variation 4728887 (VCV004728887.1).

ClinVar aggregate classification (germline): Uncertain significance (1 of 4 stars; one submission).

Conditions:
Tuberous sclerosis 2 (TSC2). Identifiers: Orphanet 805, MedGen C1860707, MONDO:0013199, OMIM 613254.

Submission:

Labcorp Genetics (formerly Invitae), Labcorp
Classification: Uncertain significance for Tuberous sclerosis 2. Last evaluated: 2025-10-10. Review status: criteria provided, single submitter. Criteria: Invitae Variant Classification Sherloc (09022015). Collection method: clinical testing. Allele origin: germline.
Comment: This sequence change falls in intron 39 of the TSC2 gene. It does not directly change the encoded amino acid sequence of the TSC2 protein. It affects a nucleotide within the consensus splice site. This variant is not present in population databases (gnomAD no frequency). This variant has not been reported in the literature in individuals affected with TSC2-related conditions. Variants that disrupt the consensus splice site are a relatively common cause of aberrant splicing (PMID: 17576681, 9536098). Algorithms developed to predict the effect of sequence changes on RNA splicing suggest that this variant is not likely to affect RNA splicing. In summary, the available evidence is currently insufficient to determine the role of this variant in disease. Therefore, it has been classified as a Variant of Uncertain Significance.

Literature cited by the submitters: PubMed 17576681; PubMed 9536098.